The following is an entry in ClinVar:

ClinVar aggregate classification (germline): Pathogenic (1 of 4 stars; one submission).

Submission:

Labcorp Genetics (formerly Invitae), Labcorp
Classification: Pathogenic. Last evaluated: 2022-06-19. Review status: criteria provided, single submitter. Criteria: Invitae Variant Classification Sherloc (09022015). Collection method: clinical testing. Allele origin: germline.
Comment: Experimental studies are conflicting or provide insufficient evidence to determine the effect of this variant on RHO function (PMID: 24520188). Advanced modeling of protein sequence and biophysical properties (such as structural, functional, and spatial information, amino acid conservation, physicochemical variation, residue mobility, and thermodynamic stability) performed at Invitae indicates that this missense variant is expected to disrupt RHO protein function. ClinVar contains an entry for this variant (Variation ID: 956525). This missense change has been observed in individuals with autosomal dominant retinitis pigmentosa (PMID: 1301135, 8905849, 11094174, 28559085). It has also been observed to segregate with disease in related individuals. This variant is not present in population databases (gnomAD no frequency). This sequence change replaces glycine, which is neutral and non-polar, with arginine, which is basic and polar, at codon 106 of the RHO protein (p.Gly106Arg). For these reasons, this variant has been classified as Pathogenic.

Literature cited by the submitters: PubMed 24520188; PubMed 1301135; PubMed 8905849; PubMed 11094174; PubMed 28559085.

NM_000539.3(RHO):c.316G>C (p.Gly106Arg)

Gene: RHO (rhodopsin; plus strand). Cytogenetic location: 3q22.1.
Variant type: single nucleotide variant.
Coding change: c.316G>C on transcript NM_000539.3 (MANE Select); coding-DNA position 316, G replaced by C.
Protein change: p.Gly106Arg; replaces glycine 106 with arginine.
Molecular consequence: missense variant.
Genome position (GRCh38, 1-based): chr3:129,529,049, G>C. VCF-style: chr3-129529049-G-C. GRCh37 (hg19) VCF-style: chr3-129247892-G-C.
Other names: short protein forms G106R.
Identifiers: ClinVar variation 956525 (VCV000956525.9), dbSNP rs104893773, ClinGen allele CA354496864.